The following is an entry in ClinVar:

ClinVar aggregate classification (germline): Uncertain significance. Review status: criteria provided, multiple submitters, no conflicts (2 of 4 stars). 3 submissions from 3 submitters: Uncertain significance (3). Last evaluated 2025-11-18.

Conditions:
Inborn genetic diseases. Identifiers: MedGen C0950123, MeSH D030342.
2-aminoadipic 2-oxoadipic aciduria (AAKAD). Also called: ALPHA-AMINOADIPIC AND ALPHA-KETOADIPIC ACIDURIA; Aminoadipic aciduria. Identifiers: Orphanet 79154, MedGen C1859817, MONDO:0008774, OMIM 204750.

Allele frequency attached by ClinVar (database versions not stated): gnomAD 0.00001; gnomAD exomes 0.00001; TOPMed 0.00001.

Submissions (3):

Labcorp Genetics (formerly Invitae), Labcorp
Classification: Uncertain significance for 2-aminoadipic 2-oxoadipic aciduria. Last evaluated: 2025-11-18. Review status: criteria provided, single submitter. Criteria: Invitae Variant Classification Sherloc (09022015). Collection method: clinical testing. Allele origin: germline.
Comment: This sequence change replaces alanine, which is neutral and non-polar, with valine, which is neutral and non-polar, at codon 91 of the DHTKD1 protein (p.Ala91Val). This variant is not present in population databases (gnomAD no frequency). This variant has not been reported in the literature in individuals affected with DHTKD1-related conditions. ClinVar contains an entry for this variant (Variation ID: 429842). Invitae Evidence Modeling of protein sequence and biophysical properties (such as structural, functional, and spatial information, amino acid conservation, physicochemical variation, residue mobility, and thermodynamic stability) indicates that this missense variant is not expected to disrupt DHTKD1 protein function with a negative predictive value of 80%. In summary, the available evidence is currently insufficient to determine the role of this variant in disease. Therefore, it has been classified as a Variant of Uncertain Significance.

Ambry Genetics
Classification: Uncertain significance for Inborn genetic diseases. Last evaluated: 2025-06-25. Review status: criteria provided, single submitter. Criteria: Ambry Variant Classification Scheme 2023. Collection method: clinical testing. Allele origin: germline.

GeneDx
Classification: Uncertain significance. Last evaluated: 2017-05-09. Review status: criteria provided, single submitter. Criteria: GeneDx Variant Classification (06012015). Collection method: clinical testing. Allele origin: germline. Affected: yes.
Comment: The A91V variant in the DHTKD1 gene has not been reported previously as a pathogenic variant, nor as a benign variant, to our knowledge. The A91V variant is not observed in large population cohorts (Lek et al., 2016; 1000 Genomes Consortium et al., 2015; Exome Variant Server). The A91V variant is a conservative amino acid substitution, which is not likely to impact secondary protein structure as these residues share similar properties. This substitution occurs at a position that is not conserved, and in silico analysis is inconsistent in its predictions as to whether or not the variant is damaging to the protein structure/function. We interpret A91V as a variant of uncertain significance.

NM_018706.7(DHTKD1):c.272C>T (p.Ala91Val)

Gene: DHTKD1 (dehydrogenase E1 and transketolase domain containing 1; plus strand). Cytogenetic location: 10p14.
Variant type: single nucleotide variant.
Coding change: c.272C>T on transcript NM_018706.7 (MANE Select); coding-DNA position 272, C replaced by T.
Protein change: p.Ala91Val; replaces alanine 91 with valine.
Molecular consequence: missense variant.
Genome position (GRCh38, 1-based): chr10:12,081,589, C>T. VCF-style: chr10-12081589-C-T. GRCh37 (hg19) VCF-style: chr10-12123588-C-T.
Other names: c.272C>T (NM_018706.5); short protein forms A91V.
Identifiers: ClinVar variation 429842 (VCV000429842.9), dbSNP rs1131691629, ClinGen allele CA376014748.